The following is an entry in ClinVar:

ClinVar aggregate classification (germline): Uncertain significance (1 of 4 stars; one submission).

Conditions:
Short-rib thoracic dysplasia 8 with or without polydactyly (SRTD8). Also called: SHORT-RIB THORACIC DYSPLASIA 8 WITH POLYDACTYLY. Identifiers: Orphanet 93271, MedGen C3809691, MONDO:0014214, OMIM 615503.

Allele frequency attached by ClinVar (database versions not stated): gnomAD exomes below 0.00001; ExAC 0.00001; TOPMed 0.00001; ESP Exome Variant Server 0.00008.
gnomAD v4.1: 5 of 1,609,334 alleles (0.00031%); highest among the groups gnomAD compares: African/African-American, 0.0013%; no homozygotes.

Submission:

Dr. med. U. Finckh, Human Genetics, Eurofins MVZ
Classification: Uncertain significance for Short-rib thoracic dysplasia 8 with or without polydactyly. Last evaluated: 2023-01-01. Review status: criteria provided, single submitter. Criteria: ACMG Guidelines, 2015. Collection method: clinical testing. Allele origin: inherited. Affected: no.

NM_018051.5(DYNC2I1):c.3136G>A (p.Glu1046Lys)

Gene: DYNC2I1 (dynein 2 intermediate chain 1; plus strand). Cytogenetic location: 7q36.3.
Variant type: single nucleotide variant.
Coding change: c.3136G>A on transcript NM_018051.5 (MANE Select); coding-DNA position 3136, G replaced by A.
Protein change: p.Glu1046Lys; replaces glutamic acid 1046 with lysine.
Molecular consequence: missense variant.
Genome position (GRCh38, 1-based): chr7:158,945,714, G>A. VCF-style: chr7-158945714-G-A. GRCh37 (hg19) VCF-style: chr7-158738405-G-A.
Other names: c.2998G>A, p.Glu1000Lys (NM_001350914.2); c.2563G>A, p.Glu855Lys (NM_001350915.2); c.1675G>A, p.Glu559Lys (NM_001350916.2); c.1888G>A, p.Glu630Lys (NM_001350917.2, NM_001350918.2); short protein forms E1000K, E1046K, E559K, E630K, E855K.
Identifiers: ClinVar variation 2505529 (VCV002505529.1), dbSNP rs374441423, ClinGen allele CA4595220.